The following is an entry in ClinVar:

ClinVar aggregate classification (germline): Likely benign (0 of 4 stars; one submission).

Conditions:
TNC-related disorder. Also called: TNC-related condition.

Allele frequency attached by ClinVar (database versions not stated): gnomAD exomes below 0.00001.
gnomAD v4.1: 4 of 1,612,892 alleles (0.00025%); highest among the groups gnomAD compares: South Asian, 0.0011%; no homozygotes.

Submission:

PreventionGenetics, part of Exact Sciences
Classification: Likely benign for TNC-related condition. Last evaluated: 2019-05-22. Review status: no assertion criteria provided. Collection method: clinical testing. Allele origin: germline.
Comment: This variant is classified as likely benign based on ACMG/AMP sequence variant interpretation guidelines (Richards et al. 2015 PMID: 25741868, with internal and published modifications).

NM_002160.4(TNC):c.4866A>G (p.Glu1622=)

Gene: TNC (tenascin C; minus strand). Cytogenetic location: 9q33.1.
Variant type: single nucleotide variant.
Coding change: c.4866A>G on transcript NM_002160.4 (MANE Select); coding-DNA position 4866, A replaced by G.
Protein change: p.Glu1622=; no amino-acid change (glutamic acid 1622 retained).
Molecular consequence: synonymous variant.
Genome position (GRCh38, 1-based): chr9:115,046,669, T>C on the plus strand (A>G on the coding strand, the complement: TNC is on the minus strand). VCF-style: chr9-115046669-T-C. GRCh37 (hg19) VCF-style: chr9-117808948-T-C.
Other names: c.4320A>G, p.Glu1440= (NM_001410991.1).
Identifiers: ClinVar variation 3039084 (VCV003039084.2), dbSNP rs1281657916, ClinGen allele CA466912257.